The following is an entry in ClinVar:

ClinVar aggregate classification (germline): Likely pathogenic (1 of 4 stars; one submission).

Conditions:
Charcot-Marie-Tooth disease axonal type 2K (CMT2K). Also called: CHARCOT-MARIE-TOOTH DISEASE, AXONAL, AUTOSOMAL RECESSIVE, TYPE 2K; CHARCOT-MARIE-TOOTH NEUROPATHY, AXONAL, TYPE 2K; Charcot-Marie-Tooth disease type 2K. Identifiers: Orphanet 101097, Orphanet 99944, MedGen C1842983, MONDO:0011916, OMIM 607831.

Submission:

MGZ Medical Genetics Center
Classification: Likely pathogenic for Charcot-Marie-Tooth disease axonal type 2K. Last evaluated: 2022-06-08. Review status: criteria provided, single submitter. Criteria: ACMG Guidelines, 2015. Collection method: clinical testing. Allele origin: germline. Affected: yes. Observed: 1 variant allele.
Comment: ACMG criteria applied: PM3, PM5, PS4_SUP, PM2_SUP, PP3

NM_018972.4(GDAP1):c.716T>C (p.Leu239Pro)

Gene: GDAP1 (ganglioside induced differentiation associated protein 1; plus strand). Cytogenetic location: 8q21.11.
Variant type: single nucleotide variant.
Coding change: c.716T>C on transcript NM_018972.4 (MANE Select); coding-DNA position 716, T replaced by C.
Protein change: p.Leu239Pro; replaces leucine 239 with proline.
Molecular consequence: missense variant. On other transcripts: intron variant (1).
Genome position (GRCh38, 1-based): chr8:74,364,006, T>C. VCF-style: chr8-74364006-T-C. GRCh37 (hg19) VCF-style: chr8-75276241-T-C.
Other names: c.512T>C, p.Leu171Pro (NM_001040875.4); c.389T>C, p.Leu130Pro (NM_001362929.2, NM_001362932.2); c.542T>C, p.Leu181Pro (NM_001362930.2); c.694+953T>C (NM_001362931.2); short protein forms L130P, L171P, L181P, L239P.
Identifiers: ClinVar variation 1709478 (VCV001709478.2), dbSNP rs2536749948, ClinGen allele CA371549905.